The following is an entry in ClinVar:

NM_003978.5(PSTPIP1):c.434A>G (p.Glu145Gly)

Gene: PSTPIP1 (proline-serine-threonine phosphatase interacting protein 1; plus strand). Cytogenetic location: 15q24.3.
Variant type: single nucleotide variant.
Coding change: c.434A>G on transcript NM_003978.5 (MANE Select); coding-DNA position 434, A replaced by G.
Protein change: p.Glu145Gly; replaces glutamic acid 145 with glycine.
Molecular consequence: missense variant. On other transcripts: non-coding transcript variant (1).
Genome position (GRCh38, 1-based): chr15:77,028,570, A>G. VCF-style: chr15-77028570-A-G. GRCh37 (hg19) VCF-style: chr15-77320911-A-G.
Other names: c.434A>G, p.Glu145Gly (NM_001321135.2); c.407A>G, p.Glu136Gly (NM_001321136.2); c.629A>G, p.Glu210Gly (NM_001321137.1); short protein forms E136G, E145G, E210G.
Identifiers: ClinVar variation 1314498 (VCV001314498.2), dbSNP rs2152686006, ClinGen allele CA393519773.
Genomic context (GRCh38, chr15:77,028,570, plus strand): 5'-ACAGGGCTGTGCAGCCCCCAAGTCACGCCCCTCCACACCCCCAGTCCAAGAAGACATACG[A>G]GCAGAAGTGCCGGGACGCGGACGACGCGGAGCAGGCCTTCGAGCGCATTAGCGCCAACGG-3'
Protein context (NP_003969.2, residues 135-155): KKAMESKKTY[Glu145Gly]QKCRDADDAE

ClinVar aggregate classification (germline): Uncertain significance (1 of 4 stars; one submission).

Submission:

GeneDx
Classification: Uncertain significance. Last evaluated: 2021-04-03. Review status: criteria provided, single submitter. Criteria: GeneDx Variant Classification Process June 2021. Collection method: clinical testing. Allele origin: germline. Affected: yes.
Comment: Not observed in large population cohorts (Lek et al., 2016); In silico analysis supports that this missense variant has a deleterious effect on protein structure/function; Has not been previously published as pathogenic or benign to our knowledge